The following is an entry in ClinVar:

NM_019888.3(MC3R):c.567T>A (p.Ile189=)

Gene: MC3R (melanocortin 3 receptor; plus strand). Cytogenetic location: 20q13.2.
Variant type: single nucleotide variant.
Coding change: c.567T>A on transcript NM_019888.3 (MANE Select); coding-DNA position 567, T replaced by A.
Protein change: p.Ile189=; no amino-acid change (isoleucine 189 retained).
Molecular consequence: synonymous variant.
Genome position (GRCh38, 1-based): chr20:56,249,410, T>A. VCF-style: chr20-56249410-T-A. GRCh37 (hg19) VCF-style: chr20-54824466-T-A.
Identifiers: ClinVar variation 710283 (VCV000710283.13), dbSNP rs41274722, ClinGen allele CA9917039.

ClinVar aggregate classification (germline): Likely benign. Review status: criteria provided, multiple submitters, no conflicts (2 of 4 stars). 3 submissions from 3 submitters: Likely benign (3). Last evaluated 2026-07-06.

Conditions:
MC3R-related disorder. Also called: MC3R-related condition.

Allele frequency attached by ClinVar (database versions not stated): 1000 Genomes Project 0.00040; 1000 Genomes Project 30x 0.00078; gnomAD exomes 0.00139 and 0.00198; ExAC 0.00141; TOPMed 0.00148; gnomAD 0.00155 and 0.00158; ESP Exome Variant Server 0.00208.

Submissions (3):

PreventionGenetics, part of Exact Sciences
Classification: Likely benign for MC3R-related condition. Last evaluated: 2026-07-06. Review status: criteria provided, single submitter. Criteria: ACMG Guidelines, 2015. Collection method: clinical testing. Allele origin: germline.
Comment: This variant is classified as likely benign based on ACMG/AMP sequence variant interpretation guidelines (Richards et al. 2015 PMID: 25741868, with internal and published modifications).

Labcorp Genetics (formerly Invitae), Labcorp
Classification: Likely benign. Last evaluated: 2026-01-08. Review status: criteria provided, single submitter. Criteria: Invitae Variant Classification Sherloc (09022015). Collection method: clinical testing. Allele origin: germline.

Blueprint Genetics
Classification: Likely benign. Last evaluated: 2024-11-20. Review status: criteria provided, single submitter. Criteria: ACMG Guidelines, 2015. Collection method: clinical testing. Allele origin: germline.